The following is an entry in ClinVar:

NM_001365999.1(SZT2):c.8636G>T (p.Arg2879Leu)

Gene: SZT2 (SZT2 subunit of KICSTOR complex; plus strand). Cytogenetic location: 1p34.2.
Variant type: single nucleotide variant.
Coding change: c.8636G>T on transcript NM_001365999.1 (MANE Select); coding-DNA position 8636, G replaced by T.
Protein change: p.Arg2879Leu; replaces arginine 2879 with leucine.
Molecular consequence: missense variant.
Genome position (GRCh38, 1-based): chr1:43,443,607, G>T. VCF-style: chr1-43443607-G-T. GRCh37 (hg19) VCF-style: chr1-43909278-G-T.
Other names: c.8465G>T, p.Arg2822Leu (NM_015284.4); short protein forms R2822L, R2879L.
Identifiers: ClinVar variation 1058191 (VCV001058191.9), dbSNP rs143745300, ClinGen allele CA340039906.

ClinVar aggregate classification (germline): Uncertain significance (1 of 4 stars; one submission).

gnomAD v4.1: 10 of 1,614,112 alleles (0.00062%); highest among the groups gnomAD compares: Non-Finnish European, 0.00085%; no homozygotes.

Submission:

Labcorp Genetics (formerly Invitae), Labcorp
Classification: Uncertain significance. Last evaluated: 2020-10-01. Review status: criteria provided, single submitter. Criteria: Invitae Variant Classification Sherloc (09022015). Collection method: clinical testing. Allele origin: germline.
Comment: This sequence change replaces arginine with leucine at codon 2822 of the SZT2 protein (p.Arg2822Leu). The arginine residue is moderately conserved and there is a moderate physicochemical difference between arginine and leucine. This variant is not present in population databases (ExAC no frequency). This variant has not been reported in the literature in individuals with SZT2-related disease. Algorithms developed to predict the effect of missense changes on protein structure and function do not agree on the potential impact of this missense change (SIFT: "Tolerated"; PolyPhen-2: "Probably Damaging"; Align-GVGD: "Class C0"). In summary, the available evidence is currently insufficient to determine the role of this variant in disease. Therefore, it has been classified as a Variant of Uncertain Significance.